The following is an entry in ClinVar:

NM_021942.6(TRAPPC11):c.-8T>C

Gene: TRAPPC11 (trafficking protein particle complex subunit 11; plus strand). Cytogenetic location: 4q35.1.
Variant type: single nucleotide variant.
Coding change: c.-8T>C on transcript NM_021942.6 (MANE Select); 8 bases upstream of the start codon, T replaced by C.
Molecular consequence: 5 prime UTR variant.
Genome position (GRCh38, 1-based): chr4:183,663,860, T>C. VCF-style: chr4-183663860-T-C. GRCh37 (hg19) VCF-style: chr4-184585013-T-C.
Other names: c.-8T>C (NM_199053.3).
Identifiers: ClinVar variation 805681 (VCV000805681.4), dbSNP rs574951106, ClinGen allele CA3151459.

ClinVar aggregate classification (germline): Likely benign. Review status: criteria provided, multiple submitters, no conflicts (2 of 4 stars). 3 submissions from 3 submitters: Likely benign (2). 1 of the submissions does not count toward it. Last evaluated 2025-04-01.

Conditions:
TRAPPC11-related disorder. Also called: TRAPPC11-related condition.

Allele frequency attached by ClinVar (database versions not stated): TOPMed 0.00010; 1000 Genomes Project 30x 0.00141; gnomAD 0.00012 and 0.00017; 1000 Genomes Project 0.00120.
gnomAD v4.1: 103 of 1,580,372 alleles (0.0065%); highest among the groups gnomAD compares: East Asian, 0.22%; no homozygotes.

Submissions (3):

Mayo Clinic Laboratories, Mayo Clinic
Classification: Likely benign. Last evaluated: 2025-04-01. Review status: criteria provided, single submitter. Criteria: ACMG Guidelines, 2015. Collection method: clinical testing. Allele origin: germline. Observed: 1 variant allele.
Comment: BS1, BP4, BP7

Athena Diagnostics
Classification: Likely benign. Last evaluated: 2018-09-12. Review status: criteria provided, single submitter. Criteria: Athena Diagnostics Criteria. Collection method: clinical testing. Allele origin: germline.

PreventionGenetics, part of Exact Sciences
Classification: Likely benign for TRAPPC11-related condition. Last evaluated: 2019-08-21. Review status: no assertion criteria provided. Collection method: clinical testing. Allele origin: germline. Not counted in ClinVar's aggregate classification.
Comment: This variant is classified as likely benign based on ACMG/AMP sequence variant interpretation guidelines (Richards et al. 2015 PMID: 25741868, with internal and published modifications).